The following is an entry in ClinVar:

NM_003119.4(SPG7):c.1652G>C (p.Arg551Pro)

Gene: SPG7 (SPG7 matrix AAA peptidase subunit, paraplegin; plus strand). Cytogenetic location: 16q24.3.
Variant type: single nucleotide variant.
Coding change: c.1652G>C on transcript NM_003119.4 (MANE Select); coding-DNA position 1652, G replaced by C.
Protein change: p.Arg551Pro; replaces arginine 551 with proline.
Molecular consequence: missense variant.
Genome position (GRCh38, 1-based): chr16:89,548,102, G>C. VCF-style: chr16-89548102-G-C. GRCh37 (hg19) VCF-style: chr16-89614510-G-C.
Other names: c.1652G>C, p.Arg551Pro (NM_001363850.1); short protein forms R551P.
Identifiers: ClinVar variation 2003627 (VCV002003627.4), dbSNP rs761552945, ClinGen allele CA397428181.

ClinVar aggregate classification (germline): Uncertain significance (1 of 4 stars; one submission).

Conditions:
Hereditary spastic paraplegia 7 (SPG7). Also called: SPG7-related neurologic disorder; Autosomal recessive spastic paraplegia type 7; Spastic paraplegia 7; Hereditary spastic paraplegia Paraplegin type; SPASTIC PARAPLEGIA 7, AUTOSOMAL RECESSIVE, WITH OR WITHOUT CEREBELLAR ATAXIA. Identifiers: Orphanet 99013, MedGen C1846564, MONDO:0011803, OMIM 607259.

Submission:

Labcorp Genetics (formerly Invitae), Labcorp
Classification: Uncertain significance for Hereditary spastic paraplegia 7. Last evaluated: 2022-06-08. Review status: criteria provided, single submitter. Criteria: Invitae Variant Classification Sherloc (09022015). Collection method: clinical testing. Allele origin: germline.
Comment: This variant is not present in population databases (gnomAD no frequency). In summary, the available evidence is currently insufficient to determine the role of this variant in disease. Therefore, it has been classified as a Variant of Uncertain Significance. Advanced modeling of protein sequence and biophysical properties (such as structural, functional, and spatial information, amino acid conservation, physicochemical variation, residue mobility, and thermodynamic stability) performed at Invitae indicates that this missense variant is expected to disrupt SPG7 protein function. This missense change has been observed in individual(s) with clinical features of SPG7-related conditions (Invitae). This sequence change replaces arginine, which is basic and polar, with proline, which is neutral and non-polar, at codon 551 of the SPG7 protein (p.Arg551Pro).